The following is an entry in ClinVar:

NM_177438.3(DICER1):c.5276A>G (p.Lys1759Arg)

Gene: DICER1 (dicer 1, ribonuclease III; minus strand). Cytogenetic location: 14q32.13.
Variant type: single nucleotide variant.
Coding change: c.5276A>G on transcript NM_177438.3 (MANE Select); coding-DNA position 5276, A replaced by G.
Protein change: p.Lys1759Arg; replaces lysine 1759 with arginine.
Molecular consequence: missense variant.
Genome position (GRCh38, 1-based): chr14:95,093,976, T>C on the plus strand (A>G on the coding strand, the complement: DICER1 is on the minus strand). VCF-style: chr14-95093976-T-C. GRCh37 (hg19) VCF-style: chr14-95560313-T-C.
Other names: NM_177438.2(DICER1):c.5276A>G; p.Lys1759Arg; c.5276A>G, p.Lys1759Arg (NM_001195573.1, NM_001271282.3, NM_001291628.2 and 1 more transcripts); short protein forms K1759R.
Identifiers: ClinVar variation 133974 (VCV000133974.28), dbSNP rs144259142, ClinGen allele CA158282.

ClinVar aggregate classification (germline): Benign. Review status: reviewed by expert panel (3 of 4 stars). 9 submissions from 9 submitters: Benign (1). 8 of the submissions do not count toward it. Last evaluated 2025-10-28.

Conditions:
DICER1-related disorder. Also called: DICER1-related condition.
DICER1-related tumor predisposition. Also called: DICER1 syndrome; DICER1-related pleuropulmonary blastoma cancer predisposition syndrome. Identifiers: Orphanet 284343, MedGen C3839822, MONDO:0100216.
Hereditary cancer-predisposing syndrome. Also called: Neoplastic Syndromes, Hereditary; Tumor predisposition; Hereditary Cancer Syndrome; Hereditary neoplastic syndrome. Identifiers: Orphanet 140162, MedGen C0027672, MeSH D009386, MONDO:0015356.

Allele frequency attached by ClinVar (database versions not stated): ExAC 0.00005; gnomAD exomes 0.00005 and 0.00006; gnomAD 0.00006 and 0.00007; TOPMed 0.00007; ESP Exome Variant Server 0.00015.
gnomAD v4.1: 91 of 1,614,002 alleles (0.0056%); highest among the groups gnomAD compares: Middle Eastern, 0.082%; no homozygotes.

Submissions (9):

ClinGen DICER1 and miRNA-Processing Gene Variant Curation Expert Panel, ClinGen
Classification: Benign for DICER1-related tumor predisposition. Last evaluated: 2025-10-28. Review status: reviewed by expert panel. Criteria: ClinGen DICER1 ACMG Specifications DICER1 V1.4.0. Collection method: curation. Allele origin: germline. Inheritance: Autosomal dominant inheritance.
Comment: The NM_177438.2:c.5276A>G variant in DICER1 is a missense variant predicted to cause substitution of Lysine by Arginine at amino acid 1759 (p.Lys1759Arg). The highest population minor allele frequency in gnomAD v4.1.0 is 0.00082 (5/6084 alleles) in the Middle Eastern population, which is higher than the ClinGen DICER1 VCEP threshold (>0.0003) for BS1, and therefore meets this criterion (BS1). This variant has been seen in 40 or more unrelated females without tumors through age 50 in at least one testing laboratory (BS2; Internal lab contributors: 61756, 500031). The computational predictor REVEL gives a score of 0.444, which is below the threshold of 0.5, and the splice site predictors MaxEntScan and SpliceAI indicate that the variant has no impact on splicing, evidence that does not predict a damaging effect on DICER1 function (BP4). This variant resides within the RNase IIIb domain of DICER1, that is defined as a mutational hotspot and critical functional domain by the ClinGen DICER1 VCEP (PMID: 31342592)(PM1_Supporting). In summary, this variant meets the criteria to be classified as Benign for DICER1-related tumor predisposition. Although there are both pathogenic and benign types of evidence for this variant, the pathogenic evidence is not considered inconsistent with the final classification. ACMG/AMP criteria applied, as specified by the ClinGen DICER1 VCEP: (BS1, BS2, BP4, PM1_Supporting). (Bayesian Points: -8; VCEP specifications version 1.4.0; 10/28/2025).

Labcorp Genetics (formerly Invitae), Labcorp
Classification: Likely benign for DICER1-related tumor predisposition. Last evaluated: 2026-01-26. Review status: criteria provided, single submitter. Criteria: Invitae Variant Classification Sherloc (09022015). Collection method: clinical testing. Allele origin: germline. Not counted in ClinVar's aggregate classification.

Quest Diagnostics Nichols Institute San Juan Capistrano
Classification: Benign. Last evaluated: 2025-11-07. Review status: criteria provided, single submitter. Criteria: Quest Diagnostics criteria. Collection method: clinical testing. Allele origin: unknown. Not counted in ClinVar's aggregate classification.

Ambry Genetics
Classification: Likely benign for Hereditary cancer-predisposing syndrome. Last evaluated: 2025-06-05. Review status: criteria provided, single submitter. Criteria: Ambry Variant Classification Scheme 2023. Collection method: clinical testing. Allele origin: germline. Not counted in ClinVar's aggregate classification.

PreventionGenetics, part of Exact Sciences
Classification: Likely benign for DICER1-related condition. Last evaluated: 2025-05-22. Review status: criteria provided, single submitter. Criteria: ACMG Guidelines, 2015. Collection method: clinical testing. Allele origin: germline. Not counted in ClinVar's aggregate classification.
Comment: This variant is classified as likely benign based on ACMG/AMP sequence variant interpretation guidelines (Richards et al. 2015 PMID: 25741868, with internal and published modifications).

Center for Genomic Medicine, Rigshospitalet, Copenhagen University Hospital
Classification: Likely benign. Last evaluated: 2025-03-04. Review status: criteria provided, single submitter. Criteria: ACMG Guidelines, 2015. Collection method: clinical testing. Allele origin: germline. Not counted in ClinVar's aggregate classification.

Hereditary Cancer Group, L’Institut d'Investigació Biomèdica de Bellvitge
Classification: Likely benign for Hereditary cancer-predisposing syndrome. Last evaluated: 2024-12-19. Review status: criteria provided, single submitter. Criteria: Hatton et al. (Hum Mutat. 2023). Collection method: clinical testing. Allele origin: germline. Inheritance: Autosomal dominant inheritance. Affected: yes. Not counted in ClinVar's aggregate classification.
Comment: BS2, PM1_supporting, BP4

ITMI
No classification provided. Condition: AllHighlyPenetrant. Last evaluated: 2013-09-19. Review status: no classification provided. Collection method: reference population. Allele origin: germline. Not counted in ClinVar's aggregate classification.
Comment: Please see associated publication for description of ethnicities

Department of Pathology and Laboratory Medicine, Sinai Health System
Classification: Uncertain significance. Review status: no assertion criteria provided. Collection method: clinical testing. Allele origin: unknown. Affected: yes. Study: The Canadian Open Genetics Repository (COGR). Not counted in ClinVar's aggregate classification.
Comment: The DICER1 p.K1759R variant was reported in an individual with breast cancer (Jalkh_2017_PMID: 28202063). The variant was identified in dbSNP (ID: rs144259142) and ClinVar (classified as uncertain significance by Ambry Genetics and as likely benign by Invitae), but was not identified in COSMIC. The variant was identified in control databases in 14 of 251452 chromosomes at a frequency of 0.00005568, and was observed at the highest frequency in the European (non-Finnish) population in 11 of 113732 chromosomes (freq: 0.00009672) (Genome Aggregation Database March 6, 2019, v2.1.1). The p.K1759 residue is conserved in mammals and computational analyses (MUT Assesor, PolyPhen-2, SIFT, MutationTaster, Revel, FATHMM, MetaLR, DANN) provide inconsistent predictions regarding the impact to the protein; this information is not very predictive of pathogenicity. The variant occurs outside of the splicing consensus sequence and in silico or computational prediction software programs (Splice AI exome) do not predict a difference in splicing. In summary, based on the above information the clinical significance of this variant cannot be determined with certainty at this time. This variant is classified as a variant of uncertain significance.

Literature cited by the submitters: PubMed 28202063 (cited by Quest Diagnostics Nichols Institute San Juan Capistrano and Ambry Genetics); PubMed 27930734 (cited by Quest Diagnostics Nichols Institute San Juan Capistrano and Ambry Genetics); PubMed 24728327 (cited by 3 submitters).